The following is an entry in ClinVar:

ClinVar aggregate classification (germline): Uncertain significance. Review status: criteria provided, multiple submitters, no conflicts (2 of 4 stars). 5 submissions from 5 submitters: Uncertain significance (4). 1 of the submissions does not count toward it. Last evaluated 2025-12-08.

Conditions:
Mucopolysaccharidosis, MPS-III-C (MPS3C). Also called: SANFILIPPO SYNDROME C; mucopolysaccharidosis type 3C; Mucopolysaccharidosis type IIIC (Sanfilippo C); MPS IIIC (Sanfilippo Syndrome Type C); MUCOPOLYSACCHARIDOSIS, TYPE IIIC; MPS III C. Identifiers: Orphanet 581, Orphanet 79271, MedGen C0086649, MONDO:0009657, OMIM 252930.
HGSNAT-related disorder. Also called: HGSNAT-related condition.
Inborn genetic diseases. Identifiers: MedGen C0950123, MeSH D030342.
Retinitis pigmentosa 73 (RP73). Identifiers: Orphanet 791, MedGen C4225287, MONDO:0014687, OMIM 616544.

Allele frequency attached by ClinVar (database versions not stated): gnomAD 0.00004 and 0.00003; gnomAD exomes 0.00005 and 0.00011; ExAC 0.00005; TOPMed 0.00003.
gnomAD v4.1: 172 of 1,612,972 alleles (0.011%); highest among the groups gnomAD compares: Non-Finnish European, 0.013%; no homozygotes.

Submissions (5):

Ambry Genetics
Classification: Uncertain significance for Inborn genetic diseases. Last evaluated: 2025-12-08. Review status: criteria provided, single submitter. Criteria: Ambry Variant Classification Scheme 2023. Collection method: clinical testing. Allele origin: germline.

PreventionGenetics, part of Exact Sciences
Classification: Uncertain significance for HGSNAT-related condition. Last evaluated: 2025-09-09. Review status: criteria provided, single submitter. Criteria: ACMG Guidelines, 2015. Collection method: clinical testing. Allele origin: germline.
Comment: The HGSNAT c.826A>G variant is predicted to result in the amino acid substitution p.Thr276Ala. To our knowledge, this variant has not been reported in the literature. This variant is reported in 0.010% of alleles in individuals of European (Non-Finnish) descent in gnomAD. At this time, the clinical significance of this variant is uncertain due to the absence of conclusive functional and genetic evidence.

Blueprint Genetics
Classification: Uncertain significance. Last evaluated: 2023-04-25. Review status: criteria provided, single submitter. Criteria: ACMG Guidelines, 2015. Collection method: clinical testing. Allele origin: germline.

Labcorp Genetics (formerly Invitae), Labcorp
Classification: Uncertain significance for Retinitis pigmentosa 73; Mucopolysaccharidosis, MPS-III-C. Last evaluated: 2022-08-05. Review status: criteria provided, single submitter. Criteria: Invitae Variant Classification Sherloc (09022015). Collection method: clinical testing. Allele origin: germline.
Comment: This sequence change replaces threonine, which is neutral and polar, with alanine, which is neutral and non-polar, at codon 276 of the HGSNAT protein (p.Thr276Ala). This variant is present in population databases (rs201952563, gnomAD 0.01%). This variant has not been reported in the literature in individuals affected with HGSNAT-related conditions. ClinVar contains an entry for this variant (Variation ID: 850628). Advanced modeling of protein sequence and biophysical properties (such as structural, functional, and spatial information, amino acid conservation, physicochemical variation, residue mobility, and thermodynamic stability) performed at Invitae indicates that this missense variant is expected to disrupt HGSNAT protein function. In summary, the available evidence is currently insufficient to determine the role of this variant in disease. Therefore, it has been classified as a Variant of Uncertain Significance.

Natera, Inc.
Classification: Uncertain significance for Mucopolysaccharidosis type IIIC. Last evaluated: 2019-11-11. Review status: no assertion criteria provided. Collection method: clinical testing. Allele origin: germline. Not counted in ClinVar's aggregate classification.

NM_152419.3(HGSNAT):c.826A>G (p.Thr276Ala)

Gene: HGSNAT (heparan-alpha-glucosaminide N-acetyltransferase; plus strand). Cytogenetic location: 8p11.21.
Variant type: single nucleotide variant.
Coding change: c.826A>G on transcript NM_152419.3 (MANE Select); coding-DNA position 826, A replaced by G.
Protein change: p.Thr276Ala; replaces threonine 276 with alanine.
Molecular consequence: missense variant. On other transcripts: intron variant (2).
Genome position (GRCh38, 1-based): chr8:43,173,718, A>G. VCF-style: chr8-43173718-A-G. GRCh37 (hg19) VCF-style: chr8-43028861-A-G.
Other names: c.826A>G, p.Thr276Ala (NM_001363227.2); c.-14+1332A>G (NM_001363229.2); c.820+1332A>G (NM_001363228.2); short protein forms T276A.
Identifiers: ClinVar variation 850628 (VCV000850628.8), dbSNP rs201952563, ClinGen allele CA4736649.